The following is an entry in ClinVar:

ClinVar aggregate classification (germline): Benign. Review status: criteria provided, single submitter (1 of 4 stars). 2 submissions from 2 submitters: Benign (1). 1 of the submissions does not count toward it. Last evaluated 2025-10-07.

Conditions:
OGDH-related disorder. Also called: OGDH-related condition.
Oxoglutaricaciduria. Identifiers: Orphanet 31, MedGen C2752074, MONDO:0008759, OMIM 203740.

Allele frequency attached by ClinVar (database versions not stated): ESP Exome Variant Server 0.00008; gnomAD 0.00009 and 0.00011; gnomAD exomes 0.00010 and 0.00023; TOPMed 0.00013; ExAC 0.00018.
gnomAD v4.1: 186 of 1,613,718 alleles (0.012%); highest among the groups gnomAD compares: East Asian, 0.025%; no homozygotes.

Submissions (2):

Labcorp Genetics (formerly Invitae), Labcorp
Classification: Benign for Oxoglutaricaciduria. Last evaluated: 2025-10-07. Review status: criteria provided, single submitter. Criteria: Invitae Variant Classification Sherloc (09022015). Collection method: clinical testing. Allele origin: germline.

PreventionGenetics, part of Exact Sciences
Classification: Likely benign for OGDH-related condition. Last evaluated: 2023-12-14. Review status: no assertion criteria provided. Collection method: clinical testing. Allele origin: germline. Not counted in ClinVar's aggregate classification.
Comment: This variant is classified as likely benign based on ACMG/AMP sequence variant interpretation guidelines (Richards et al. 2015 PMID: 25741868, with internal and published modifications).

NM_002541.4(OGDH):c.1032C>T (p.Ser344=)

Gene: OGDH (oxoglutarate dehydrogenase; plus strand). Cytogenetic location: 7p13.
Variant type: single nucleotide variant.
Coding change: c.1032C>T on transcript NM_002541.4 (MANE Select); coding-DNA position 1032, C replaced by T.
Protein change: p.Ser344=; no amino-acid change (serine 344 retained).
Molecular consequence: synonymous variant.
Genome position (GRCh38, 1-based): chr7:44,675,975, C>T. VCF-style: chr7-44675975-C-T. GRCh37 (hg19) VCF-style: chr7-44715574-C-T.
Other names: c.1032C>T, p.Ser344= (NM_001003941.3); c.1020C>T, p.Ser340= (NM_001165036.2); c.1065C>T, p.Ser355= (NM_001363523.2); c.1065C>T (NM_001363523.1).
Identifiers: ClinVar variation 1643526 (VCV001643526.10), dbSNP rs149447664, ClinGen allele CA4243730.